The following is an entry in ClinVar:

NM_001080414.4(CCDC88C):c.932A>G (p.Tyr311Cys)

Gene: CCDC88C (coiled-coil domain containing 88C; minus strand). Cytogenetic location: 14q32.11.
Variant type: single nucleotide variant.
Coding change: c.932A>G on transcript NM_001080414.4 (MANE Select); coding-DNA position 932, A replaced by G.
Protein change: p.Tyr311Cys; replaces tyrosine 311 with cysteine.
Molecular consequence: missense variant.
Genome position (GRCh38, 1-based): chr14:91,338,123, T>C on the plus strand (A>G on the coding strand, the complement: CCDC88C is on the minus strand). VCF-style: chr14-91338123-T-C. GRCh37 (hg19) VCF-style: chr14-91804467-T-C.
Other names: short protein forms Y311C.
Identifiers: ClinVar variation 1030086 (VCV001030086.1), dbSNP rs751049970, ClinGen allele CA7310047.

ClinVar aggregate classification (germline): Uncertain significance (1 of 4 stars; one submission).

Conditions:
Spinocerebellar ataxia type 40. Identifiers: Orphanet 423275, MedGen C4518336, MONDO:0014475, OMIM 616053.

Allele frequency attached by ClinVar (database versions not stated): gnomAD exomes below 0.00001 and 0.00001; TOPMed below 0.00001; ExAC 0.00001; gnomAD 0.00001.
gnomAD v4.1: 11 of 1,613,808 alleles (0.00068%); highest among the groups gnomAD compares: African/African-American, 0.0027%; no homozygotes.

Submission:

Baylor Genetics
Classification: Uncertain significance for Spinocerebellar ataxia type 40. Last evaluated: 2020-07-29. Review status: criteria provided, single submitter. Criteria: ACMG Guidelines, 2015. Collection method: clinical testing. Allele origin: unknown. Affected: yes.
Comment: This variant was determined to be of uncertain significance according to ACMG Guidelines, 2015 [PMID:25741868].